The following is an entry in ClinVar:

NM_003900.5(SQSTM1):c.1294C>T (p.Gln432Ter)

Gene: SQSTM1 (sequestosome 1; plus strand). Cytogenetic location: 5q35.3.
Variant type: single nucleotide variant.
Coding change: c.1294C>T on transcript NM_003900.5 (MANE Select); coding-DNA position 1294, C replaced by T.
Protein change: p.Gln432Ter; replaces glutamine 432 with a stop codon.
Molecular consequence: nonsense.
Genome position (GRCh38, 1-based): chr5:179,836,564, C>T. VCF-style: chr5-179836564-C-T. GRCh37 (hg19) VCF-style: chr5-179263564-C-T.
Other names: c.1042C>T, p.Gln348Ter (NM_001142298.2, NM_001142299.2); short protein forms Q348*, Q432*.
Identifiers: ClinVar variation 4791530 (VCV004791530.1).
Genomic context (GRCh38, chr5:179,836,564, plus strand): 5'-TGGCTCACCAGGCTCCTGCAGACCAAGAACTATGACATCGGAGCGGCTCTGGACACCATC[C>T]AGTATTCAAAGCATCCCCCGCCGTTGTGACCACTTTTGCCCACCTCTTCTGCGTGCCCCT-3'

ClinVar aggregate classification (germline): Uncertain significance (1 of 4 stars; one submission).

Conditions:
Frontotemporal dementia and/or amyotrophic lateral sclerosis 1 (FTDALS1). Also called: C9orf72 Frontotemporal Dementia and/or Amyotrophic Lateral Sclerosis; Frontotemporal dementia with motor neuron disease 1. Identifiers: Orphanet 275872, MedGen C5779877, MONDO:0007105, OMIM 105550.
Paget disease of bone 2, early-onset (PDB2). Also called: Paget disease of bone 2. Identifiers: MedGen C4085251, MONDO:0011183, OMIM 602080.

gnomAD v4.1: 1 of 1,614,176 alleles (0.000062%); highest among the groups gnomAD compares: East Asian, 0.0022%; no homozygotes.

Submission:

Labcorp Genetics (formerly Invitae), Labcorp
Classification: Uncertain significance for Paget disease of bone 2, early-onset; Frontotemporal dementia and/or amyotrophic lateral sclerosis 1. Last evaluated: 2025-11-25. Review status: criteria provided, single submitter. Criteria: Invitae Variant Classification Sherloc (09022015). Collection method: clinical testing. Allele origin: germline.
Comment: This sequence change creates a premature translational stop signal (p.Gln432*) in the SQSTM1 gene. While this is not anticipated to result in nonsense mediated decay, it is expected to disrupt the last 9 amino acid(s) of the SQSTM1 protein. This variant is not present in population databases (gnomAD no frequency). This variant has not been reported in the literature in individuals affected with SQSTM1-related conditions. Experimental studies and prediction algorithms are not available or were not evaluated, and the functional significance of this variant is currently unknown. In summary, the available evidence is currently insufficient to determine the role of this variant in disease. Therefore, it has been classified as a Variant of Uncertain Significance.